The following is an entry in ClinVar:

ClinVar aggregate classification (germline): Uncertain significance (1 of 4 stars; one submission).

Conditions:
BAP1-related tumor predisposition syndrome (TPDS1). Also called: BAP1 tumor predisposition syndrome; Tumor susceptibility linked to germline BAP1 mutations; COMMON Syndrome; TUMOR PREDISPOSITION SYNDROME 1. Identifiers: Orphanet 289539, MedGen C3280492, MONDO:0013692, OMIM 614327.

Submission:

Labcorp Genetics (formerly Invitae), Labcorp
Classification: Uncertain significance for BAP1-related tumor predisposition syndrome. Last evaluated: 2022-10-31. Review status: criteria provided, single submitter. Criteria: Invitae Variant Classification Sherloc (09022015). Collection method: clinical testing. Allele origin: germline.
Comment: In summary, the available evidence is currently insufficient to determine the role of this variant in disease. Therefore, it has been classified as a Variant of Uncertain Significance. Variants that disrupt the consensus splice site are a relatively common cause of aberrant splicing (PMID: 17576681, 9536098). Algorithms developed to predict the effect of sequence changes on RNA splicing suggest that this variant may disrupt the consensus splice site. This variant has not been reported in the literature in individuals affected with BAP1-related conditions. This variant is not present in population databases (gnomAD no frequency). This sequence change falls in intron 3 of the BAP1 gene. It does not directly change the encoded amino acid sequence of the BAP1 protein. It affects a nucleotide within the consensus splice site.

Literature cited by the submitters: PubMed 17576681; PubMed 9536098.

NM_004656.4(BAP1):c.122+4A>T

Gene: BAP1 (BRCA1 associated deubiquitinase 1; minus strand). Cytogenetic location: 3p21.1.
Variant type: single nucleotide variant.
Coding change: c.122+4A>T on transcript NM_004656.4 (MANE Select); 4 bases into the intron after coding-DNA position 122, A replaced by T.
Molecular consequence: intron variant.
Genome position (GRCh38, 1-based): chr3:52,409,550, T>A on the plus strand (A>T on the coding strand, the complement: BAP1 is on the minus strand). VCF-style: chr3-52409550-T-A. GRCh37 (hg19) VCF-style: chr3-52443566-T-A.
Other names: c.122+4A>T (NM_001410772.1).
Identifiers: ClinVar variation 2810959 (VCV002810959.3), dbSNP rs2153228505, ClinGen allele CA2702834973.